The following is an entry in ClinVar:

NM_003107.3(SOX4):c.1178G>C (p.Gly393Ala)

Gene: SOX4 (SRY-box transcription factor 4; plus strand). Cytogenetic location: 6p22.3.
Variant type: single nucleotide variant.
Coding change: c.1178G>C on transcript NM_003107.3 (MANE Select); coding-DNA position 1178, G replaced by C.
Protein change: p.Gly393Ala; replaces glycine 393 with alanine.
Molecular consequence: missense variant.
Genome position (GRCh38, 1-based): chr6:21,595,712, G>C. VCF-style: chr6-21595712-G-C. GRCh37 (hg19) VCF-style: chr6-21595943-G-C.
Other names: short protein forms G393A.
Identifiers: ClinVar variation 3367802 (VCV003367802.1).

ClinVar aggregate classification (germline): Uncertain significance (1 of 4 stars; one submission).

Submission:

GeneDx
Classification: Uncertain significance. Last evaluated: 2024-01-10. Review status: criteria provided, single submitter. Criteria: GeneDx Variant Classification Process June 2021. Collection method: clinical testing. Allele origin: germline. Affected: yes.
Comment: Not observed at significant frequency in large population cohorts (gnomAD); In silico analysis supports that this missense variant does not alter protein structure/function; Has not been previously published as pathogenic or benign to our knowledge